The following is an entry in ClinVar:

NM_004260.4(RECQL4):c.2684G>A (p.Arg895Lys)

Gene: RECQL4 (RecQ like helicase 4; minus strand). Cytogenetic location: 8q24.3.
Variant type: single nucleotide variant.
Coding change: c.2684G>A on transcript NM_004260.4 (MANE Select); coding-DNA position 2684, G replaced by A.
Protein change: p.Arg895Lys; replaces arginine 895 with lysine.
Molecular consequence: missense variant.
Genome position (GRCh38, 1-based): chr8:144,512,918, C>T on the plus strand (G>A on the coding strand, the complement: RECQL4 is on the minus strand). VCF-style: chr8-144512918-C-T. GRCh37 (hg19) VCF-style: chr8-145738301-C-T.
Other names: short protein forms R895K.
Identifiers: ClinVar variation 569281 (VCV000569281.15), dbSNP rs763846344, ClinGen allele CA4948150.
Genomic context (GRCh38, chr8:144,512,918, plus strand): 5'-ATGTCCAAAGCCTGTACGGTAAGCTGTATTGGGAGTGCCCGCTCATGGCCCATGCAGACC[C>T]TTCTGGGTCCTGGGGCTGCTTGGTGGCTAAGCTGCTCAGCCTCTTGAGGGGGGTACTTGG-3'
Protein context (NP_004251.4, residues 885-905): LSHQAAPGPR[Arg895Lys]VCMGHERALP

ClinVar aggregate classification (germline): Conflicting classifications of pathogenicity. Review status: criteria provided, conflicting classifications (1 of 4 stars). 5 submissions from 5 submitters: Uncertain significance (3); Likely benign (1). 1 of the submissions does not count toward it. Last evaluated 2025-12-09.

Conditions:
RECQL4-related disorder. Also called: RECQL4-related condition; RECQL4-related disorders.
Baller-Gerold syndrome (BGS). Also called: CRANIOSYNOSTOSIS WITH RADIAL DEFECTS. Identifiers: Orphanet 1225, MedGen C0265308, MONDO:0009039, OMIM 218600.
Rapadilino syndrome. Identifiers: Orphanet 3021, MedGen C1849453, MONDO:0009955, OMIM 266280.
Rothmund-Thomson syndrome type 2 (RTS2). Identifiers: Orphanet 221016, MedGen C5203410, MONDO:0016369, OMIM 268400.

Allele frequency attached by ClinVar (database versions not stated): ExAC 0.00002; gnomAD exomes 0.00003 and 0.00004; gnomAD 0.00004; TOPMed 0.00005.
gnomAD v4.1: 47 of 1,583,690 alleles (0.003%); highest among the groups gnomAD compares: East Asian, 0.018%; no homozygotes.

Submissions (5):

Labcorp Genetics (formerly Invitae), Labcorp
Classification: Likely benign for Baller-Gerold syndrome. Last evaluated: 2025-12-09. Review status: criteria provided, single submitter. Criteria: Invitae Variant Classification Sherloc (09022015). Collection method: clinical testing. Allele origin: germline.

GeneDx
Classification: Uncertain significance. Last evaluated: 2024-09-17. Review status: criteria provided, single submitter. Criteria: GeneDx Variant Classification Process June 2021. Collection method: clinical testing. Allele origin: germline. Affected: yes.
Comment: In silico analysis supports a deleterious effect on splicing; In silico analysis indicates that this missense variant does not alter protein structure/function; Has not been previously published as pathogenic or benign to our knowledge

Revvity Omics, Revvity
Classification: Uncertain significance. Last evaluated: 2022-03-28. Review status: criteria provided, single submitter. Criteria: ACMG Guidelines, 2015. Collection method: clinical testing. Allele origin: germline.

Department of Pathology and Laboratory Medicine, Sinai Health System
Classification: Uncertain significance for Baller-Gerold syndrome; Rapadilino syndrome; Rothmund-Thomson syndrome type 2. Last evaluated: 2021-07-30. Review status: criteria provided, single submitter. Criteria: ACMG Guidelines, 2015. Collection method: research. Allele origin: germline.

PreventionGenetics, part of Exact Sciences
Classification: Uncertain significance for RECQL4-related condition. Last evaluated: 2024-02-15. Review status: no assertion criteria provided. Collection method: clinical testing. Allele origin: germline. Not counted in ClinVar's aggregate classification.
Comment: The RECQL4 c.2684G>A variant is predicted to result in the amino acid substitution p.Arg895Lys. To our knowledge, this variant has not been reported in the literature. This variant is reported in 0.014% of alleles in individuals of East Asian descent in gnomAD. At this time, the clinical significance of this variant is uncertain due to the absence of conclusive functional and genetic evidence.